The following is an entry in ClinVar:

NM_006421.5(ARFGEF1):c.5320C>G (p.Arg1774Gly)

Gene: ARFGEF1 (ARF guanine nucleotide exchange factor 1; minus strand). Cytogenetic location: 8q13.2.
Variant type: single nucleotide variant.
Coding change: c.5320C>G on transcript NM_006421.5 (MANE Select); coding-DNA position 5320, C replaced by G.
Protein change: p.Arg1774Gly; replaces arginine 1774 with glycine.
Molecular consequence: missense variant. On other transcripts: non-coding transcript variant (1).
Genome position (GRCh38, 1-based): chr8:67,200,461, G>C on the plus strand (C>G on the coding strand, the complement: ARFGEF1 is on the minus strand). VCF-style: chr8-67200461-G-C. GRCh37 (hg19) VCF-style: chr8-68112696-G-C.
Other names: c.5320C>G, p.Arg1774Gly (NM_001413184.1, NM_001413187.1, NM_001413194.1); c.5302C>G, p.Arg1768Gly (NM_001413185.1, NM_001413186.1, NM_001413189.1); c.4720C>G, p.Arg1574Gly (NM_001413188.1, NM_001413197.1); c.5314C>G, p.Arg1772Gly (NM_001413190.1); c.5224C>G, p.Arg1742Gly (NM_001413191.1); c.5206C>G, p.Arg1736Gly (NM_001413192.1); c.4702C>G, p.Arg1568Gly (NM_001413193.1); c.3895C>G, p.Arg1299Gly (NM_001413196.1); short protein forms R1299G, R1568G, R1574G, R1736G, R1742G, R1768G, R1772G, R1774G.
Identifiers: ClinVar variation 3253012 (VCV003253012.1), dbSNP rs1838287933.

ClinVar aggregate classification (germline): Uncertain significance (1 of 4 stars; one submission).

Allele frequency attached by ClinVar (database versions not stated): gnomAD exomes below 0.00001.
gnomAD v4.1: 1 of 1,606,978 alleles (0.000062%); highest among the groups gnomAD compares: Non-Finnish European, 0.000085%; no homozygotes.

Submission:

GeneDx
Classification: Uncertain significance. Last evaluated: 2023-12-09. Review status: criteria provided, single submitter. Criteria: GeneDx Variant Classification Process June 2021. Collection method: clinical testing. Allele origin: germline. Affected: yes.
Comment: Not observed at significant frequency in large population cohorts (gnomAD); In silico analysis supports that this missense variant has a deleterious effect on protein structure/function; Has not been previously published as pathogenic or benign to our knowledge